The following is an entry in ClinVar:

ClinVar aggregate classification (germline): Benign/Likely benign. Review status: criteria provided, single submitter (1 of 4 stars). 2 submissions from 1 submitter: Benign (1); Likely benign (1). Last evaluated 2018-01-13.

Conditions:
Hypothyroidism due to TSH receptor mutations. Also called: HYPOTHYROIDISM DUE TO UNRESPONSIVENESS TO THYROTROPIN; HYPOTHYROIDISM, CONGENITAL, DUE TO TSH RESISTANCE; HYPOTHYROIDISM, NONAUTOIMMUNE; THYROID-STIMULATING HORMONE, RESISTANCE TO; TSH RESISTANCE; Hypothyroidism, congenital, nongoitrous, 1. Identifiers: Orphanet 90673, MedGen C3493776, MONDO:0010142, OMIM 275200.
Familial hyperthyroidism due to mutations in TSH receptor. Also called: HYPERTHYROIDISM, CONGENITAL NONAUTOIMMUNE; HYPERTHYROIDISM, NONAUTOIMMUNE, AUTOSOMAL DOMINANT; TOXIC THYROID HYPERPLASIA, AUTOSOMAL DOMINANT. Identifiers: Orphanet 424, MedGen C1836706, MONDO:0012203, OMIM 609152.

Allele frequency attached by ClinVar (database versions not stated): gnomAD exomes 0.00485; gnomAD 0.02320 and 0.02495; 1000 Genomes Project 30x 0.02389; 1000 Genomes Project 0.02416; TOPMed 0.02607.

Submissions (2):

Illumina Laboratory Services, Illumina
Classification: Benign for Familial hyperthyroidism due to mutations in TSH receptor. Last evaluated: 2018-01-13. Review status: criteria provided, single submitter. Criteria: ICSL Variant Classification Criteria 13 December 2019. Collection method: clinical testing. Allele origin: germline.
Comment: This variant was observed in the ICSL laboratory as part of a predisposition screen in an ostensibly healthy population. It had not been previously curated by ICSL or reported in the Human Gene Mutation Database (HGMD: prior to June 1st, 2018), and was therefore a candidate for classification through an automated scoring system. Utilizing variant allele frequency, disease prevalence and penetrance estimates, and inheritance mode, an automated score was calculated to assess if this variant is too frequent to cause the disease. Based on the score and internal cut-off values, a variant classified as benign is not then subjected to further curation. The score for this variant resulted in a classification of benign for this disease.

Illumina Laboratory Services, Illumina
Classification: Likely benign for Hypothyroidism due to TSH receptor mutations. Last evaluated: 2018-01-13. Review status: criteria provided, single submitter. Criteria: ICSL Variant Classification Criteria 13 December 2019. Collection method: clinical testing. Allele origin: germline.
Comment: This variant was observed in the ICSL laboratory as part of a predisposition screen in an ostensibly healthy population. It had not been previously curated by ICSL or reported in the Human Gene Mutation Database (HGMD: prior to June 1st, 2018), and was therefore a candidate for classification through an automated scoring system. Utilizing variant allele frequency, disease prevalence and penetrance estimates, and inheritance mode, an automated score was calculated to assess if this variant is too frequent to cause the disease. Based on the score and internal cut-off values, a variant classified as likely benign is not then subjected to further curation. The score for this variant resulted in a classification of likely benign for this disease.

NM_000369.5(TSHR):c.*474G>T

Genes: TSHR (thyroid stimulating hormone receptor; plus strand), TSHR-AS1 (TSHR antisense RNA 1; minus strand). Cytogenetic location: 14q31.1.
Variant type: single nucleotide variant.
Coding change: c.*474G>T on transcript NM_000369.5 (MANE Select); 474 bases downstream of the stop codon, G replaced by T.
Molecular consequence: 3 prime UTR variant.
Genome position (GRCh38, 1-based): chr14:81,144,827, G>T. VCF-style: chr14-81144827-G-T. GRCh37 (hg19) VCF-style: chr14-81611171-G-T.
Identifiers: ClinVar variation 314709 (VCV000314709.5), dbSNP rs61266735, ClinGen allele CA10645140.